The following is an entry in ClinVar:

ClinVar aggregate classification (germline): Likely benign. Review status: criteria provided, single submitter (1 of 4 stars). 2 submissions from 2 submitters: Likely benign (1). 1 of the submissions does not count toward it. Last evaluated 2025-10-02.

Conditions:
PCSK9-related disorder. Also called: PCSK9-related condition; PCSK9-related disorders.
Hypercholesterolemia, autosomal dominant, 3 (FHCL3). Also called: Familial Hypercholesterolemia, Autosomal Dominant, 3; Familial hypercholesterolemia 3; PCSK9-Related Familial Hypercholesterolemia, Autosomal Dominant. Identifiers: MedGen C1863551, MONDO:0011369, OMIM 603776.

Allele frequency attached by ClinVar (database versions not stated): ExAC 0.00011; 1000 Genomes Project 30x 0.00016; 1000 Genomes Project 0.00020.
gnomAD v4.1: 82 of 1,614,004 alleles (0.0051%); highest among the groups gnomAD compares: South Asian, 0.07%; no homozygotes.

Submissions (2):

Labcorp Genetics (formerly Invitae), Labcorp
Classification: Likely benign for Hypercholesterolemia, autosomal dominant, 3. Last evaluated: 2025-10-02. Review status: criteria provided, single submitter. Criteria: Invitae Variant Classification Sherloc (09022015). Collection method: clinical testing. Allele origin: germline.

PreventionGenetics, part of Exact Sciences
Classification: Likely benign for PCSK9-related condition. Last evaluated: 2023-03-16. Review status: no assertion criteria provided. Collection method: clinical testing. Allele origin: germline. Not counted in ClinVar's aggregate classification.
Comment: This variant is classified as likely benign based on ACMG/AMP sequence variant interpretation guidelines (Richards et al. 2015 PMID: 25741868, with internal and published modifications).

NM_174936.4(PCSK9):c.399+10C>G

Gene: PCSK9 (proprotein convertase subtilisin/kexin type 9; plus strand). Cytogenetic location: 1p32.3.
Variant type: single nucleotide variant.
Coding change: c.399+10C>G on transcript NM_174936.4 (MANE Select); 10 bases into the intron after coding-DNA position 399, C replaced by G.
Molecular consequence: intron variant.
Genome position (GRCh38, 1-based): chr1:55,044,044, C>G. VCF-style: chr1-55044044-C-G. GRCh37 (hg19) VCF-style: chr1-55509717-C-G.
Other names: c.399+10C>G (NM_174936.3).
Identifiers: ClinVar variation 2044426 (VCV002044426.6), dbSNP rs112710386, ClinGen allele CA041779.